The following is an entry in ClinVar:

NM_012469.4(PRPF6):c.1196A>G (p.His399Arg)

Gene: PRPF6 (pre-mRNA processing factor 6; plus strand). Cytogenetic location: 20q13.33.
Variant type: single nucleotide variant.
Coding change: c.1196A>G on transcript NM_012469.4 (MANE Select); coding-DNA position 1196, A replaced by G.
Protein change: p.His399Arg; replaces histidine 399 with arginine.
Molecular consequence: missense variant.
Genome position (GRCh38, 1-based): chr20:64,010,209, A>G. VCF-style: chr20-64010209-A-G. GRCh37 (hg19) VCF-style: chr20-62641562-A-G.
Other names: short protein forms H399R.
Identifiers: ClinVar variation 968804 (VCV000968804.9), dbSNP rs2059209997, ClinGen allele CA409724783.

ClinVar aggregate classification (germline): Uncertain significance (1 of 4 stars; one submission).

Submission:

Labcorp Genetics (formerly Invitae), Labcorp
Classification: Uncertain significance. Last evaluated: 2022-02-10. Review status: criteria provided, single submitter. Criteria: Invitae Variant Classification Sherloc (09022015). Collection method: clinical testing. Allele origin: germline.
Comment: In summary, the available evidence is currently insufficient to determine the role of this variant in disease. Therefore, it has been classified as a Variant of Uncertain Significance. This variant has not been reported in the literature in individuals affected with PRPF6-related conditions. This sequence change replaces histidine, which is basic and polar, with arginine, which is basic and polar, at codon 399 of the PRPF6 protein (p.His399Arg). This variant is not present in population databases (gnomAD no frequency). ClinVar contains an entry for this variant (Variation ID: 968804). Algorithms developed to predict the effect of missense changes on protein structure and function (SIFT, PolyPhen-2, Align-GVGD) all suggest that this variant is likely to be tolerated.